The following is an entry in ClinVar:

NM_006214.4(PHYH):c.639_640del (p.His213fs)

Gene: PHYH (phytanoyl-CoA 2-hydroxylase; minus strand). Cytogenetic location: 10p13.
Variant type: Microsatellite.
Coding change: c.639_640del on transcript NM_006214.4 (MANE Select); coding-DNA positions 639 to 640, 2 bases deleted (CA; older notation c.639_640delCA).
Protein change: p.His213fs; shifts the reading frame from histidine 213.
Molecular consequence: frameshift variant. On other transcripts: intron variant (1).
Genome position (GRCh38, 1-based): chr10:13,288,398-13,288,399, TG deleted on the plus strand (CA on the coding strand, the reverse complement: PHYH is on the minus strand); deleting any 2 consecutive bases within chr10:13,288,398-13,288,405 gives the same sequence; the c. name uses the placement nearest the transcript's 3' end. VCF-style (leftmost placement, unchanged base first): chr10-13288397-TTG-T. GRCh37 (hg19) VCF-style: chr10-13330397-TTG-T.
Other names: c.339_340del, p.His113fs (NM_001037537.2, NM_001323080.2); c.645_646del, p.His215fs (NM_001323082.2); c.345_346del, p.His115fs (NM_001323084.2); c.415-4566CA[3] (NM_001323083.2); short protein forms H215fs, H113fs, H115fs, H213fs.
Identifiers: ClinVar variation 1948044 (VCV001948044.5), dbSNP rs750212973, ClinGen allele CA5412292.
Genomic context (GRCh38, chr10:13,288,397, plus strand): 5'-ACTCAGCCGCCGGGCAGACCTACCTCCCACTTGGGGTAATCGTGGGGCTTCAGGGAGCCC[TTG>T]TGTGTGCCTGGGAGCACAACCAGACAGCCGTTGTTCCGGCTGATGTGCTCCATCGCCGTC-3'

ClinVar aggregate classification (germline): Pathogenic (1 of 4 stars; one submission).

Submission:

Labcorp Genetics (formerly Invitae), Labcorp
Classification: Pathogenic. Last evaluated: 2025-02-04. Review status: criteria provided, single submitter. Criteria: Invitae Variant Classification Sherloc (09022015). Collection method: clinical testing. Allele origin: germline.
Comment: This sequence change creates a premature translational stop signal (p.His213Glnfs*17) in the PHYH gene. It is expected to result in an absent or disrupted protein product. Loss-of-function variants in PHYH are known to be pathogenic (PMID: 9326940, 14974078). This variant is present in population databases (rs750212973, gnomAD 0.0009%). This variant has not been reported in the literature in individuals affected with PHYH-related conditions. For these reasons, this variant has been classified as Pathogenic.

Literature cited by the submitters: PubMed 9326940; PubMed 14974078.